The following is an entry in ClinVar:

ClinVar aggregate classification (germline): Uncertain significance (1 of 4 stars; one submission).

Conditions:
Gastrointestinal stromal tumor. Also called: Gastrointestinal stromal tumor, somatic; Gastrointestinal stroma tumor. Identifiers: Orphanet 44890, MedGen C0238198, MeSH D046152, MONDO:0011719, OMIM 606764, HP:0100723.

Submission:

Labcorp Genetics (formerly Invitae), Labcorp
Classification: Uncertain significance for Gastrointestinal stromal tumor. Last evaluated: 2025-08-17. Review status: criteria provided, single submitter. Criteria: Invitae Variant Classification Sherloc (09022015). Collection method: clinical testing. Allele origin: germline.
Comment: This sequence change replaces proline, which is neutral and non-polar, with alanine, which is neutral and non-polar, at codon 130 of the PDGFRA protein (p.Pro130Ala). This variant is not present in population databases (gnomAD no frequency). This variant has not been reported in the literature in individuals affected with PDGFRA-related conditions. Invitae Evidence Modeling of protein sequence and biophysical properties (such as structural, functional, and spatial information, amino acid conservation, physicochemical variation, residue mobility, and thermodynamic stability) has been performed for this missense variant. However, the output from this modeling did not meet the statistical confidence thresholds required to predict the impact of this variant on PDGFRA protein function. In summary, the available evidence is currently insufficient to determine the role of this variant in disease. Therefore, it has been classified as a Variant of Uncertain Significance.

NM_006206.6(PDGFRA):c.388C>G (p.Pro130Ala)

Gene: PDGFRA (platelet derived growth factor receptor alpha; plus strand). Cytogenetic location: 4q12.
Variant type: single nucleotide variant.
Coding change: c.388C>G on transcript NM_006206.6 (MANE Select); coding-DNA position 388, C replaced by G.
Protein change: p.Pro130Ala; replaces proline 130 with alanine.
Molecular consequence: missense variant.
Genome position (GRCh38, 1-based): chr4:54,263,687, C>G. VCF-style: chr4-54263687-C-G. GRCh37 (hg19) VCF-style: chr4-55129854-C-G.
Other names: c.388C>G, p.Pro130Ala (NM_001347827.2, NM_001347829.2); c.463C>G, p.Pro155Ala (NM_001347828.2); c.427C>G, p.Pro143Ala (NM_001347830.2); short protein forms P130A, P143A, P155A.
Identifiers: ClinVar variation 4743316 (VCV004743316.1).